The following is an entry in ClinVar:

NM_015662.3(IFT172):c.2857C>T (p.Arg953Cys)

Gene: IFT172 (intraflagellar transport 172; minus strand). Cytogenetic location: 2p23.3.
Variant type: single nucleotide variant.
Coding change: c.2857C>T on transcript NM_015662.3 (MANE Select); coding-DNA position 2857, C replaced by T.
Protein change: p.Arg953Cys; replaces arginine 953 with cysteine.
Molecular consequence: missense variant.
Genome position (GRCh38, 1-based): chr2:27,458,799, G>A on the plus strand (C>T on the coding strand, the complement: IFT172 is on the minus strand). VCF-style: chr2-27458799-G-A. GRCh37 (hg19) VCF-style: chr2-27681666-G-A.
Other names: c.2857C>T (NM_015662.1); short protein forms R953C.
Identifiers: ClinVar variation 846515 (VCV000846515.14), dbSNP rs762645007, ClinGen allele CA1580168.

ClinVar aggregate classification (germline): Conflicting classifications of pathogenicity. Review status: criteria provided, conflicting classifications (1 of 4 stars). 5 submissions from 5 submitters: Uncertain significance (4); Likely benign (1). Last evaluated 2026-07-09.

Conditions:
IFT172-related disorder. Also called: IFT172-related condition; IFT172-related disorders.
Inborn genetic diseases. Identifiers: MedGen C0950123, MeSH D030342.
Retinitis pigmentosa 71 (RP71). Identifiers: Orphanet 791, MedGen C4225342, MONDO:0014618, OMIM 616394.
Short-rib thoracic dysplasia 10 with or without polydactyly (SRTD10). Identifiers: Orphanet 474, MedGen C3810175, MONDO:0014284, OMIM 615630.
Bardet-Biedl syndrome 20. Identifiers: MedGen C4310707, MONDO:0023670, OMIM 619471, MONDO:0014926.

Allele frequency attached by ClinVar (database versions not stated): gnomAD 0.00003 and 0.00004; TOPMed 0.00003; ExAC 0.00009; gnomAD exomes 0.00009.
gnomAD v4.1: 35 of 1,613,956 alleles (0.0022%); highest among the groups gnomAD compares: East Asian, 0.04%; no homozygotes.

Submissions (5):

PreventionGenetics, part of Exact Sciences
Classification: Uncertain significance for IFT172-related condition. Last evaluated: 2026-07-09. Review status: criteria provided, single submitter. Criteria: ACMG Guidelines, 2015. Collection method: clinical testing. Allele origin: germline.
Comment: The IFT172 c.2857C>T variant is predicted to result in the amino acid substitution p.Arg953Cys. To our knowledge, this variant has not been reported in the literature. This variant is reported in 0.11% of alleles in individuals of East Asian descent in gnomAD, which may be too common to be a primary cause of disease. Although we suspect that this variant may be benign, at this time, the clinical significance of this variant is uncertain due to the absence of conclusive functional and genetic evidence.

Ambry Genetics
Classification: Uncertain significance for Inborn genetic diseases. Last evaluated: 2025-02-11. Review status: criteria provided, single submitter. Criteria: Ambry Variant Classification Scheme 2023. Collection method: clinical testing. Allele origin: germline.

Labcorp Genetics (formerly Invitae), Labcorp
Classification: Likely benign for Retinitis pigmentosa 71; Short-rib thoracic dysplasia 10 with or without polydactyly. Last evaluated: 2024-12-31. Review status: criteria provided, single submitter. Criteria: Invitae Variant Classification Sherloc (09022015). Collection method: clinical testing. Allele origin: germline.

Blueprint Genetics
Classification: Uncertain significance. Last evaluated: 2023-09-27. Review status: criteria provided, single submitter. Criteria: ACMG Guidelines, 2015. Collection method: clinical testing. Allele origin: germline.

Fulgent Genetics
Classification: Uncertain significance for Short-rib thoracic dysplasia 10 with or without polydactyly; Retinitis pigmentosa 71; Bardet-Biedl syndrome 20. Last evaluated: 2022-01-07. Review status: criteria provided, single submitter. Criteria: ACMG Guidelines, 2015. Collection method: clinical testing. Allele origin: unknown.